The following is an entry in ClinVar:

NM_002095.6(GTF2E2):c.568C>G (p.Leu190Val)

Gene: GTF2E2 (general transcription factor IIE subunit 2; minus strand). Cytogenetic location: 8p12.
Variant type: single nucleotide variant.
Coding change: c.568C>G on transcript NM_002095.6 (MANE Select); coding-DNA position 568, C replaced by G.
Protein change: p.Leu190Val; replaces leucine 190 with valine.
Molecular consequence: missense variant.
Genome position (GRCh38, 1-based): chr8:30,607,132, G>C on the plus strand (C>G on the coding strand, the complement: GTF2E2 is on the minus strand). VCF-style: chr8-30607132-G-C. GRCh37 (hg19) VCF-style: chr8-30464649-G-C.
Other names: c.568C>G, p.Leu190Val (NM_001348353.1); short protein forms L190V.
Identifiers: ClinVar variation 2116508 (VCV002116508.4), dbSNP rs1296068914, ClinGen allele CA370878208.
Genomic context (GRCh38, chr8:30,607,132, plus strand): 5'-ACTGACAGCTCTTATCATTGAAGAAAAGTATTTTCTTCTTATCGGGACGATTTACAAATA[G>C]TATCTGGTCCCCCAAAGCCTTAAAGATAGATAAAATAAAGATTTTTCAGTTAACTCCAAA-3'
Protein context (NP_002086.1, residues 180-200): KAVKALGDQI[Leu190Val]FVNRPDKKKI

ClinVar aggregate classification (germline): Uncertain significance (1 of 4 stars; one submission).

Submission:

Labcorp Genetics (formerly Invitae), Labcorp
Classification: Uncertain significance. Last evaluated: 2022-03-24. Review status: criteria provided, single submitter. Criteria: Invitae Variant Classification Sherloc (09022015). Collection method: clinical testing. Allele origin: germline.
Comment: In summary, the available evidence is currently insufficient to determine the role of this variant in disease. Therefore, it has been classified as a Variant of Uncertain Significance. Algorithms developed to predict the effect of missense changes on protein structure and function (SIFT, PolyPhen-2, Align-GVGD) all suggest that this variant is likely to be tolerated. This variant has not been reported in the literature in individuals affected with GTF2E2-related conditions. This variant is not present in population databases (gnomAD no frequency). This sequence change replaces leucine, which is neutral and non-polar, with valine, which is neutral and non-polar, at codon 190 of the GTF2E2 protein (p.Leu190Val).